The following is an entry in ClinVar:

NM_001130682.3(GUCY1A1):c.1497G>A (p.Pro499=)

Gene: GUCY1A1 (guanylate cyclase 1 soluble subunit alpha 1; plus strand). Cytogenetic location: 4q32.1.
Variant type: single nucleotide variant.
Coding change: c.1497G>A on transcript NM_001130682.3 (MANE Select); coding-DNA position 1497, G replaced by A.
Protein change: p.Pro499=; no amino-acid change (proline 499 retained).
Molecular consequence: synonymous variant.
Genome position (GRCh38, 1-based): chr4:155,713,508, G>A. VCF-style: chr4-155713508-G-A. GRCh37 (hg19) VCF-style: chr4-156634660-G-A.
Other names: p.Pro499=; c.1497G>A, p.Pro499= (NM_000856.6, NM_001130683.4, NM_001130684.3 and 12 more transcripts); c.792G>A, p.Pro264= (NM_001130685.3); c.990G>A, p.Pro330= (NM_001379676.1); c.1497G>A (NM_000856.5).
Identifiers: ClinVar variation 3637063 (VCV003637063.4).

ClinVar aggregate classification (germline): Benign/Likely benign. Review status: criteria provided, multiple submitters, no conflicts (2 of 4 stars). 3 submissions from 3 submitters: Benign (1); Likely benign (2). Last evaluated 2026-02-22.

Conditions:
GUCY1A1-related disorder. Also called: GUCY1A1-related condition.

gnomAD v4.1: 396 of 1,613,994 alleles (0.025%); highest among the groups gnomAD compares: South Asian, 0.36%; no homozygotes.

Submissions (3):

PreventionGenetics, part of Exact Sciences
Classification: Likely benign for GUCY1A1-related condition. Last evaluated: 2026-02-22. Review status: criteria provided, single submitter. Criteria: ACMG Guidelines, 2015. Collection method: clinical testing. Allele origin: germline.
Comment: This variant is classified as likely benign based on ACMG/AMP sequence variant interpretation guidelines (Richards et al. 2015 PMID: 25741868, with internal and published modifications).

Mayo Clinic Laboratories, Mayo Clinic
Classification: Likely benign. Last evaluated: 2025-03-19. Review status: criteria provided, single submitter. Criteria: ACMG Guidelines, 2015. Collection method: clinical testing. Allele origin: germline. Observed: 1 variant allele.
Comment: BS1, BP4, BP7

Labcorp Genetics (formerly Invitae), Labcorp
Classification: Benign. Last evaluated: 2024-04-02. Review status: criteria provided, single submitter. Criteria: Invitae Variant Classification Sherloc (09022015). Collection method: clinical testing. Allele origin: germline.